The following is an entry in ClinVar:

NM_001184.4(ATR):c.572C>T (p.Ser191Leu)

Gene: ATR (ATR checkpoint kinase; minus strand). Cytogenetic location: 3q23.
Variant type: single nucleotide variant.
Coding change: c.572C>T on transcript NM_001184.4 (MANE Select); coding-DNA position 572, C replaced by T.
Protein change: p.Ser191Leu; replaces serine 191 with leucine.
Molecular consequence: missense variant.
Genome position (GRCh38, 1-based): chr3:142,562,830, G>A on the plus strand (C>T on the coding strand, the complement: ATR is on the minus strand). VCF-style: chr3-142562830-G-A. GRCh37 (hg19) VCF-style: chr3-142281672-G-A.
Other names: c.572C>T, p.Ser191Leu (NM_001354579.2); short protein forms S191L.
Identifiers: ClinVar variation 1749317 (VCV001749317.2), dbSNP rs1235951658, ClinGen allele CA354826407.

ClinVar aggregate classification (germline): Uncertain significance (1 of 4 stars; one submission).

Conditions:
Inborn genetic diseases. Identifiers: MedGen C0950123, MeSH D030342.

Allele frequency attached by ClinVar (database versions not stated): gnomAD exomes below 0.00001; TOPMed below 0.00001.
gnomAD v4.1: 2 of 1,607,240 alleles (0.00012%); highest among the groups gnomAD compares: South Asian, 0.0011%; no homozygotes.

Submission:

Ambry Genetics
Classification: Uncertain significance for Inborn genetic diseases. Last evaluated: 2022-03-27. Review status: criteria provided, single submitter. Criteria: Ambry Variant Classification Scheme 2023. Collection method: clinical testing. Allele origin: germline.
Comment: The p.S191L variant (also known as c.572C>T), located in coding exon 4 of the ATR gene, results from a C to T substitution at nucleotide position 572. The serine at codon 191 is replaced by leucine, an amino acid with dissimilar properties. This amino acid position is conserved. In addition, this alteration is predicted to be tolerated by in silico analysis. Since supporting evidence is limited at this time, the clinical significance of this alteration remains unclear.